The following is an entry in ClinVar:

NM_000081.4(LYST):c.5437A>C (p.Ile1813Leu)

Gene: LYST (lysosomal trafficking regulator; minus strand). Cytogenetic location: 1q42.3.
Variant type: single nucleotide variant.
Coding change: c.5437A>C on transcript NM_000081.4 (MANE Select); coding-DNA position 5437, A replaced by C.
Protein change: p.Ile1813Leu; replaces isoleucine 1813 with leucine.
Molecular consequence: missense variant.
Genome position (GRCh38, 1-based): chr1:235,777,086, T>G on the plus strand (A>C on the coding strand, the complement: LYST is on the minus strand). VCF-style: chr1-235777086-T-G. GRCh37 (hg19) VCF-style: chr1-235940386-T-G.
Other names: c.5437A>C, p.Ile1813Leu (NM_001301365.1); short protein forms I1813L.
Identifiers: ClinVar variation 1435670 (VCV001435670.4), dbSNP rs950092196, ClinGen allele CA39622267.

ClinVar aggregate classification (germline): Uncertain significance (1 of 4 stars; one submission).

Conditions:
Chédiak-Higashi syndrome (CHS). Also called: Chediak-Higashi Syndrome. Identifiers: Orphanet 167, MedGen C0007965, MONDO:0008963, OMIM 214500.

Allele frequency attached by ClinVar (database versions not stated): gnomAD 0.00001; TOPMed 0.00002.
gnomAD v4.1: 2 of 1,613,450 alleles (0.00012%); highest among the groups gnomAD compares: African/African-American, 0.0013%; no homozygotes.

Submission:

Labcorp Genetics (formerly Invitae), Labcorp
Classification: Uncertain significance for Chédiak-Higashi syndrome. Last evaluated: 2021-11-02. Review status: criteria provided, single submitter. Criteria: Invitae Variant Classification Sherloc (09022015). Collection method: clinical testing. Allele origin: germline.
Comment: In summary, the available evidence is currently insufficient to determine the role of this variant in disease. Therefore, it has been classified as a Variant of Uncertain Significance. Algorithms developed to predict the effect of missense changes on protein structure and function (SIFT, PolyPhen-2, Align-GVGD) all suggest that this variant is likely to be tolerated. This variant has not been reported in the literature in individuals affected with LYST-related conditions. This variant is not present in population databases (gnomAD no frequency). This sequence change replaces isoleucine, which is neutral and non-polar, with leucine, which is neutral and non-polar, at codon 1813 of the LYST protein (p.Ile1813Leu).